The following is an entry in ClinVar:

ClinVar aggregate classification (germline): Likely benign. Review status: criteria provided, single submitter (1 of 4 stars). 2 submissions from 2 submitters: Likely benign (1). 1 of the submissions does not count toward it. Last evaluated 2024-11-28.

Conditions:
CARD10-related disorder. Also called: CARD10-related condition.

Allele frequency attached by ClinVar (database versions not stated): gnomAD exomes 0.18561; ExAC 0.18833; TOPMed 0.19620; gnomAD 0.20071; ESP Exome Variant Server 0.20074; 1000 Genomes Project 30x 0.21643; 1000 Genomes Project 0.21665.
gnomAD v4.1: 300,599 of 1,603,122 alleles (19%); highest among the groups gnomAD compares: African/African-American, 25%; 29,101 homozygotes.

Submissions (2):

Blueprint Genetics
Classification: Likely benign. Last evaluated: 2024-11-28. Review status: criteria provided, single submitter. Criteria: ACMG Guidelines, 2015. Collection method: clinical testing. Allele origin: germline.

PreventionGenetics, part of Exact Sciences
Classification: Benign for CARD10-related condition. Last evaluated: 2019-11-08. Review status: no assertion criteria provided. Collection method: clinical testing. Allele origin: germline. Not counted in ClinVar's aggregate classification.
Comment: This variant is classified as benign based on ACMG/AMP sequence variant interpretation guidelines (Richards et al. 2015 PMID: 25741868, with internal and published modifications).

NM_014550.4(CARD10):c.866G>A (p.Arg289Gln)

Gene: CARD10 (caspase recruitment domain family member 10; minus strand). Cytogenetic location: 22q13.1.
Variant type: single nucleotide variant.
Coding change: c.866G>A on transcript NM_014550.4 (MANE Select); coding-DNA position 866, G replaced by A.
Protein change: p.Arg289Gln; replaces arginine 289 with glutamine.
Molecular consequence: missense variant.
Genome position (GRCh38, 1-based): chr22:37,510,255, C>T on the plus strand (G>A on the coding strand, the complement: CARD10 is on the minus strand). VCF-style: chr22-37510255-C-T. GRCh37 (hg19) VCF-style: chr22-37906262-C-T.
Other names: short protein forms R289Q.
Identifiers: ClinVar variation 3060680 (VCV003060680.3), dbSNP rs9610775, ClinGen allele CA10220060.